The following is an entry in ClinVar:

ClinVar aggregate classification (germline): Likely pathogenic (1 of 4 stars; one submission).

Conditions:
Thyroid dyshormonogenesis 6 (TDH6). Also called: HYPOTHYROIDISM, CONGENITAL, DUE TO DYSHORMONOGENESIS, 6; THYROID HORMONOGENESIS, GENETIC DEFECT IN, 6; Genetic transient congenital hypothyroidism. Identifiers: Orphanet 226316, Orphanet 95716, MedGen C1846632, MONDO:0011792, OMIM 607200.

Submission:

Juno Genomics, Hangzhou Juno Genomics, Inc
Classification: Likely pathogenic for Thyroid dyshormonogenesis 6. Review status: criteria provided, single submitter. Criteria: ACMG Guidelines, 2015. Collection method: clinical testing. Allele origin: germline.
Comment: Absent from controls (or at extremely low frequency if recessive) in Genome Aggregation Database.;Null variant in a gene where loss of function (LOF) is a known mechanism of disease.

NM_001363711.2(DUOX2):c.3625del (p.His1209fs)

Gene: DUOX2 (dual oxidase 2; minus strand). Cytogenetic location: 15q21.1.
Variant type: Deletion.
Coding change: c.3625del on transcript NM_001363711.2 (MANE Select); coding-DNA position 3625, one base deleted (C; older notation c.3625delC).
Protein change: p.His1209fs; shifts the reading frame from histidine 1209.
Molecular consequence: frameshift variant.
Genome position (GRCh38, 1-based): chr15:45,097,682, G deleted on the plus strand (C on the coding strand, the reverse complement: DUOX2 is on the minus strand); the first of 2 consecutive G bases (chr15:45,097,682-45,097,683); deleting either gives the same sequence. VCF-style (leftmost placement, unchanged base first): chr15-45097681-TG-T. GRCh37 (hg19) VCF-style: chr15-45389879-TG-T.
Other names: c.3625del, p.His1209fs (NM_014080.5); short protein forms H1209fs.
Identifiers: ClinVar variation 5019581 (VCV005019581.2).